The following is an entry in ClinVar:

ClinVar aggregate classification (germline): Uncertain significance (1 of 4 stars; one submission).

Conditions:
Autosomal recessive severe congenital neutropenia due to JAGN1 deficiency. Also called: Severe congenital neutropenia 6, autosomal recessive. Identifiers: Orphanet 423384, MedGen C4014954, MONDO:0014456, OMIM 616022.

Allele frequency attached by ClinVar (database versions not stated): TOPMed below 0.00001; gnomAD 0.00001.
gnomAD v4.1: 1 of 1,614,050 alleles (0.000062%); highest among the groups gnomAD compares: African/African-American, 0.0013%; no homozygotes.

Submission:

Labcorp Genetics (formerly Invitae), Labcorp
Classification: Uncertain significance for Autosomal recessive severe congenital neutropenia due to JAGN1 deficiency. Last evaluated: 2019-01-22. Review status: criteria provided, single submitter. Criteria: Invitae Variant Classification Sherloc (09022015). Collection method: clinical testing. Allele origin: germline.
Comment: Algorithms developed to predict the effect of missense changes on protein structure and function (SIFT, PolyPhen-2, Align-GVGD) all suggest that this variant is likely to be disruptive, but these predictions have not been confirmed by published functional studies and their clinical significance is uncertain. This variant has not been reported in the literature in individuals with JAGN1-related conditions. This variant is not present in population databases (ExAC no frequency). This sequence change replaces leucine with proline at codon 60 of the JAGN1 protein (p.Leu60Pro). The leucine residue is highly conserved and there is a moderate physicochemical difference between leucine and proline. In summary, the available evidence is currently insufficient to determine the role of this variant in disease. Therefore, it has been classified as a Variant of Uncertain Significance.

NM_032492.4(JAGN1):c.179T>C (p.Leu60Pro)

Gene: JAGN1 (jagunal homolog 1; plus strand). Cytogenetic location: 3p25.3.
Variant type: single nucleotide variant.
Coding change: c.179T>C on transcript NM_032492.4 (MANE Select); coding-DNA position 179, T replaced by C.
Protein change: p.Leu60Pro; replaces leucine 60 with proline.
Molecular consequence: missense variant.
Genome position (GRCh38, 1-based): chr3:9,893,004, T>C. VCF-style: chr3-9893004-T-C. GRCh37 (hg19) VCF-style: chr3-9934688-T-C.
Other names: c.17T>C, p.Leu6Pro (NM_001363890.1); short protein forms L6P, L60P.
Identifiers: ClinVar variation 839671 (VCV000839671.5), dbSNP rs1297627583, ClinGen allele CA351714314.
Genomic context (GRCh38, chr3:9,893,004, plus strand): 5'-TGATCTACGTACATCTGGTCATATGGCTGCTGCTGGTTGCTAAGATGAGCGTGGGACACC[T>C]GAGGCTCTTGTCACATGATCAGGTGGCCATGCCCTATCAGTGGGAATACCCGTATTTGCT-3'
Protein context (NP_115881.3, residues 50-70): LLVAKMSVGH[Leu60Pro]RLLSHDQVAM